The following is an entry in ClinVar:

ClinVar aggregate classification (germline): Uncertain significance (1 of 4 stars; one submission).

Submission:

Labcorp Genetics (formerly Invitae), Labcorp
Classification: Uncertain significance. Last evaluated: 2024-11-15. Review status: criteria provided, single submitter. Criteria: Invitae Variant Classification Sherloc (09022015). Collection method: clinical testing. Allele origin: germline.
Comment: This sequence change replaces glutamic acid, which is acidic and polar, with lysine, which is basic and polar, at codon 88 of the ABCC8 protein (p.Glu88Lys). This variant is not present in population databases (gnomAD no frequency). This variant has not been reported in the literature in individuals affected with ABCC8-related conditions. Invitae Evidence Modeling of protein sequence and biophysical properties (such as structural, functional, and spatial information, amino acid conservation, physicochemical variation, residue mobility, and thermodynamic stability) indicates that this missense variant is expected to disrupt ABCC8 protein function with a positive predictive value of 95%. In summary, the available evidence is currently insufficient to determine the role of this variant in disease. Therefore, it has been classified as a Variant of Uncertain Significance.

NM_000352.6(ABCC8):c.262G>A (p.Glu88Lys)

Gene: ABCC8 (ATP binding cassette subfamily C member 8; minus strand). Cytogenetic location: 11p15.1.
Variant type: single nucleotide variant.
Coding change: c.262G>A on transcript NM_000352.6 (MANE Select); coding-DNA position 262, G replaced by A.
Protein change: p.Glu88Lys; replaces glutamic acid 88 with lysine.
Molecular consequence: missense variant. On other transcripts: non-coding transcript variant (1).
Genome position (GRCh38, 1-based): chr11:17,474,914, C>T on the plus strand (G>A on the coding strand, the complement: ABCC8 is on the minus strand). VCF-style: chr11-17474914-C-T. GRCh37 (hg19) VCF-style: chr11-17496461-C-T.
Other names: c.262G>A, p.Glu88Lys (NM_001287174.3, NM_001351295.2, NM_001351296.2 and 1 more transcripts); short protein forms E88K.
Identifiers: ClinVar variation 3608106 (VCV003608106.2).
Genomic context (GRCh38, chr11:17,474,914, plus strand): 5'-TCACTTTCCTGAGTCCTCAGACAGTCACTCACCCATCAGACAGGATGCCCTCTGCAATCT[C>T]ACACACCAGGACGAAGAGCAGCATGAAGGTCAGGATCCACCGCAGGTTGTGCCCAGGGAA-3'
Protein context (NP_000343.2, residues 78-98): TFMLLFVLVC[Glu88Lys]IAEGILSDGV